The following is an entry in ClinVar:

NM_201548.5(CERKL):c.896-9A>G

Gene: CERKL (ceramide kinase like; minus strand). Cytogenetic location: 2q31.3.
Variant type: single nucleotide variant.
Coding change: c.896-9A>G on transcript NM_201548.5 (MANE Select); 9 bases into the intron before coding-DNA position 896, A replaced by G.
Molecular consequence: intron variant.
Genome position (GRCh38, 1-based): chr2:181,548,866, T>C on the plus strand (A>G on the coding strand, the complement: CERKL is on the minus strand). VCF-style: chr2-181548866-T-C. GRCh37 (hg19) VCF-style: chr2-182413593-T-C.
Other names: c.557-9A>G (NM_001030312.3); c.842-9A>G (NM_001160277.2); c.689-9A>G (NM_001030313.3); c.974-9A>G (NM_001030311.3).
Identifiers: ClinVar variation 1009181 (VCV001009181.6), dbSNP rs1687855227, ClinGen allele CA1311920177.

ClinVar aggregate classification (germline): Uncertain significance (1 of 4 stars; one submission).

Submission:

Labcorp Genetics (formerly Invitae), Labcorp
Classification: Uncertain significance. Last evaluated: 2021-09-02. Review status: criteria provided, single submitter. Criteria: Invitae Variant Classification Sherloc (09022015). Collection method: clinical testing. Allele origin: germline.
Comment: This sequence change falls in intron 7 of the CERKL gene. It does not directly change the encoded amino acid sequence of the CERKL protein. This variant is not present in population databases (ExAC no frequency). This variant has not been reported in the literature in individuals affected with CERKL-related conditions. Algorithms developed to predict the effect of sequence changes on RNA splicing suggest that this variant may disrupt the consensus splice site. In summary, the available evidence is currently insufficient to determine the role of this variant in disease. Therefore, it has been classified as a Variant of Uncertain Significance.